The following is an entry in ClinVar:

ClinVar aggregate classification (germline): Pathogenic (1 of 4 stars; one submission).

Conditions:
Methylmalonic aciduria, cblA type (MACA). Also called: Methylmalonic aciduria, vitamin b12-responsive, due to defect in synthesis of adenosylcobalamin, cbla complementation type; MMA cbl A type; Methylmalonic acidemia cblA type; Methylmalonic aciduria, vitamin B12-responsive; Vitamin B12-responsive methylmalonic acidemia type cblA. Identifiers: Orphanet 28, Orphanet 79310, MedGen C1855109, MONDO:0009613, OMIM 251100.

Submission:

Myriad Genetics, Inc.
Classification: Pathogenic for Methylmalonic aciduria, cblA type. Last evaluated: 2025-08-23. Review status: criteria provided, single submitter. Criteria: Myriad Autosomal Dominant, Autosomal Recessive and X-Linked Classification Criteria (2023). Collection method: clinical testing. Allele origin: unknown.
Comment: NM_172250.2(MMAA):c.470C>A(S157*) is expected to be pathogenic in the context of methylmalonic acidemia, cblA type. This variant is predicted to lead to an abnormal or absent protein product due to the creation of a premature termination codon in MMAA, a gene where loss-of-function variants are known to be pathogenic. Please note: this variant was assessed in the context of healthy population screening.

NM_172250.3(MMAA):c.470C>A (p.Ser157Ter)

Gene: MMAA (metabolism of cobalamin associated A; plus strand). Cytogenetic location: 4q31.21.
Variant type: single nucleotide variant.
Coding change: c.470C>A on transcript NM_172250.3 (MANE Select); coding-DNA position 470, C replaced by A.
Protein change: p.Ser157Ter; replaces serine 157 with a stop codon.
Molecular consequence: nonsense.
Genome position (GRCh38, 1-based): chr4:145,642,393, C>A. VCF-style: chr4-145642393-C-A. GRCh37 (hg19) VCF-style: chr4-146563545-C-A.
Other names: c.470C>A, p.Ser157Ter (NM_001375644.1); short protein forms S157*.
Identifiers: ClinVar variation 5014903 (VCV005014903.1).
Genomic context (GRCh38, chr4:145,642,393, plus strand): 5'-ATTGAATTAGAAGATCTCTTTCCACCGTAGGATTGTCTGGGCCCCCTGGTGCTGGAAAAT[C>A]AACATTTATAGAATATTTTGGAAAAATGCTTACTGAGAGAGGGCACAAATTATCTGTGCT-3'